The following is an entry in ClinVar:

ClinVar aggregate classification (germline): Uncertain significance. Review status: criteria provided, multiple submitters, no conflicts (2 of 4 stars). 3 submissions from 3 submitters: Uncertain significance (3). Last evaluated 2025-06-20.

Conditions:
Cardiovascular phenotype. Identifiers: MedGen CN230736.
Hypercholesterolemia, autosomal dominant, type B (FHCL2). Also called: Hyperlipoproteinemia Type IIb; Familial Hypercholesterolemia Type B; APOLIPOPROTEIN B-100, FAMILIAL DEFECTIVE; APOLIPOPROTEIN B-100, FAMILIAL LIGAND-DEFECTIVE; Familial hypercholesterolemia 2; APOB-Related Familial Hypercholesterolemia, Autosomal Dominant. Identifiers: MedGen C1704417, MONDO:0007751, OMIM 144010.
Familial hypobetalipoproteinemia 1. Also called: Hypobetalipoproteinemia, normotriglyceridemic; Acanthocytosis with hypobetalipoproteinemia; APOB-Related Familial Hypobetalipoproteinemia. Identifiers: MedGen C4551990, MONDO:0014252, OMIM 615558.

Allele frequency attached by ClinVar (database versions not stated): gnomAD exomes below 0.00001.

Submissions (3):

GeneDx
Classification: Uncertain significance. Last evaluated: 2025-06-20. Review status: criteria provided, single submitter. Criteria: GeneDx Variant Classification Process June 2021. Collection method: clinical testing. Allele origin: germline. Affected: yes.
Comment: Not observed at significant frequency in large population cohorts (gnomAD); In silico analysis supports that this missense variant has a deleterious effect on protein structure/function; Has not been previously published as pathogenic or benign to our knowledge

Ambry Genetics
Classification: Uncertain significance for Cardiovascular phenotype. Last evaluated: 2025-01-04. Review status: criteria provided, single submitter. Criteria: Ambry Variant Classification Scheme 2023. Collection method: clinical testing. Allele origin: germline.
Comment: The p.A526V variant (also known as c.1577C>T), located in coding exon 12 of the APOB gene, results from a C to T substitution at nucleotide position 1577. The alanine at codon 526 is replaced by valine, an amino acid with similar properties. This amino acid position is conserved. In addition, the in silico prediction for this alteration is inconclusive. Based on the available evidence, the clinical significance of this variant remains unclear.

Labcorp Genetics (formerly Invitae), Labcorp
Classification: Uncertain significance for Familial hypobetalipoproteinemia 1; Hypercholesterolemia, autosomal dominant, type B. Last evaluated: 2018-04-10. Review status: criteria provided, single submitter. Criteria: Invitae Variant Classification Sherloc (09022015). Collection method: clinical testing. Allele origin: germline.
Comment: This variant is not present in population databases (ExAC no frequency). This variant has not been reported in the literature in individuals with APOB-related disease. Algorithms developed to predict the effect of missense changes on protein structure and function do not agree on the potential impact of this missense change (SIFT: "Deleterious"; PolyPhen-2: "Probably Damaging"; Align-GVGD: "Class C0"). In summary, the available evidence is currently insufficient to determine the role of this variant in disease. Therefore, it has been classified as a Variant of Uncertain Significance. This sequence change replaces alanine with valine at codon 526 of the APOB protein (p.Ala526Val). The alanine residue is moderately conserved and there is a small physicochemical difference between alanine and valine.

NM_000384.3(APOB):c.1577C>T (p.Ala526Val)

Gene: APOB (apolipoprotein B; minus strand). Cytogenetic location: 2p24.1.
Variant type: single nucleotide variant.
Coding change: c.1577C>T on transcript NM_000384.3 (MANE Select); coding-DNA position 1577, C replaced by T.
Protein change: p.Ala526Val; replaces alanine 526 with valine.
Molecular consequence: missense variant.
Genome position (GRCh38, 1-based): chr2:21,029,679, G>A on the plus strand (C>T on the coding strand, the complement: APOB is on the minus strand). VCF-style: chr2-21029679-G-A. GRCh37 (hg19) VCF-style: chr2-21252551-G-A.
Other names: short protein forms A526V.
Identifiers: ClinVar variation 576402 (VCV000576402.13), dbSNP rs1558572895, ClinGen allele CA346014952.
Genomic context (GRCh38, chr2:21,029,679, plus strand): 5'-CCTCTTCTTGTGGACTTTACCTTGTCTTTAGGCTCCATTTTCCGCAGAGCCTGGATGGCA[G>A]CTTTCTGGATCATCAGTGATGGCTTTGTACTTTGGACACATTTCAGGATTGAAGACTTGA-3'
Protein context (NP_000375.3, residues 516-536): STKPSLMIQK[Ala526Val]AIQALRKMEP